The following is an entry in ClinVar:

ClinVar aggregate classification (germline): Pathogenic. Review status: criteria provided, multiple submitters, no conflicts (2 of 4 stars). 3 submissions from 3 submitters: Pathogenic (3). Last evaluated 2023-12-12.

Conditions:
GNE myopathy (NM). Also called: IBM 2; Inclusion body myopathy autosomal recessive; Inclusion body myopathy quadriceps sparing; INCLUSION BODY MYOPATHY, HEREDITARY, AUTOSOMAL RECESSIVE; INCLUSION BODY MYOPATHY 2, AUTOSOMAL RECESSIVE; MYOPATHY, DISTAL, WITH OR WITHOUT RIMMED VACUOLES. Identifiers: Orphanet 602, MedGen C1853926, MONDO:0011603, OMIM 605820.

Allele frequency attached by ClinVar (database versions not stated): gnomAD exomes below 0.00001.

Submissions (3):

Myriad Genetics, Inc.
Classification: Pathogenic for GNE myopathy. Last evaluated: 2023-12-12. Review status: criteria provided, single submitter. Criteria: Myriad Autosomal Dominant, Autosomal Recessive and X-Linked Classification Criteria (2023). Collection method: clinical testing. Allele origin: unknown.
Comment: NM_001128227.2(GNE):c.1054delC(R352Vfs*51) is expected to be pathogenic in the context of GNE myopathy. This variant is predicted to lead to an abnormal or absent protein product due to the creation of a premature termination codon in GNE, a gene where loss-of-function variants are known to be pathogenic. Please note: this variant was assessed in the context of healthy population screening.

Institute of Medical Genetics and Applied Genomics, University Hospital Tübingen
Classification: Pathogenic. Last evaluated: 2020-10-23. Review status: criteria provided, single submitter. Criteria: ACMG Guidelines, 2015. Collection method: clinical testing. Allele origin: germline. Inheritance: Unknown mechanism. Affected: yes.

CeGaT Center for Human Genetics Tuebingen
Classification: Pathogenic. Last evaluated: 2019-12-01. Review status: criteria provided, single submitter. Criteria: CeGaT Center For Human Genetics Tuebingen Variant Classification Criteria Version 2. Collection method: clinical testing. Allele origin: germline. Affected: yes. Observed: 2 variant alleles.

NM_005476.7(GNE):c.961del (p.Arg321fs)

Gene: GNE (glucosamine (UDP-N-acetyl)-2-epimerase/N-acetylmannosamine kinase; minus strand). Cytogenetic location: 9p13.3.
Variant type: Deletion.
Coding change: c.961del on transcript NM_005476.7 (MANE Select); coding-DNA position 961, one base deleted (C; older notation c.961delC).
Protein change: p.Arg321fs; shifts the reading frame from arginine 321.
Molecular consequence: frameshift variant.
Genome position (GRCh38, 1-based): chr9:36,233,941, G deleted on the plus strand (C on the coding strand, the reverse complement: GNE is on the minus strand). VCF-style (leftmost placement, unchanged base first): chr9-36233940-CG-C. GRCh37 (hg19) VCF-style: chr9-36233937-CG-C.
Other names: c.1054del, p.Arg352fs (NM_001128227.3); c.961del, p.Arg321fs (NM_001190383.3); c.631del, p.Arg211fs (NM_001190384.3); c.784del, p.Arg262fs (NM_001190388.2, NM_001374798.1); c.808del, p.Arg270fs (NM_001374797.1); short protein forms R262fs, R270fs, R321fs, R352fs, R211fs.
Identifiers: ClinVar variation 872016 (VCV000872016.44), dbSNP rs1829284063, ClinGen allele CA1139660955.